The following is an entry in ClinVar:

ClinVar aggregate classification (germline): Conflicting classifications of pathogenicity. Review status: criteria provided, conflicting classifications (1 of 4 stars). 4 submissions from 4 submitters: Uncertain significance (2); Likely benign (1). 1 of the submissions does not count toward it. Last evaluated 2025-07-02.

Conditions:
Usher syndrome type 1F (USH1F). Also called: USHER SYNDROME, TYPE IF. Identifiers: Orphanet 231169, Orphanet 886, MedGen C1865885, MONDO:0011186, OMIM 602083.

Submissions (4):

GeneDx
Classification: Uncertain significance. Last evaluated: 2025-07-02. Review status: criteria provided, single submitter. Criteria: GeneDx Variant Classification Process June 2021. Collection method: clinical testing. Allele origin: germline. Affected: yes.
Comment: In-frame duplication of 1 amino acid in a non-repeat region; Has not been previously published as pathogenic or benign to our knowledge

Blueprint Genetics
Classification: Likely benign. Last evaluated: 2024-09-10. Review status: criteria provided, single submitter. Criteria: ACMG Guidelines, 2015. Collection method: clinical testing. Allele origin: germline.

Labcorp Genetics (formerly Invitae), Labcorp
Classification: Uncertain significance. Last evaluated: 2022-10-17. Review status: criteria provided, single submitter. Criteria: Invitae Variant Classification Sherloc (09022015). Collection method: clinical testing. Allele origin: germline.
Comment: This variant, c.5069_5071dup, results in the insertion of 1 amino acid(s) of the PCDH15 protein (p.Ile1690dup), but otherwise preserves the integrity of the reading frame. This variant is present in population databases (rs772692454, gnomAD 0.1%). This variant has not been reported in the literature in individuals affected with PCDH15-related conditions. ClinVar contains an entry for this variant (Variation ID: 967997). Experimental studies and prediction algorithms are not available or were not evaluated, and the functional significance of this variant is currently unknown. In summary, the available evidence is currently insufficient to determine the role of this variant in disease. Therefore, it has been classified as a Variant of Uncertain Significance.

Natera, Inc.
Classification: Uncertain significance for Usher syndrome type 1F. Last evaluated: 2020-02-03. Review status: no assertion criteria provided. Collection method: clinical testing. Allele origin: germline. Not counted in ClinVar's aggregate classification.

NM_033056.4(PCDH15):c.5066TCA[3] (p.Ile1690_Ser1691insIle)

Gene: PCDH15 (protocadherin related 15; minus strand). Cytogenetic location: 10q21.1.
Variant type: Microsatellite.
Coding change: c.5066TCA[3] on transcript NM_033056.4 (MANE Plus Clinical); three copies in a row of the 3-base unit TCA starting at c.5066; the reference has two copies in a row; one copy, 3 bases duplicated; also written c.5069_5071dup.
Protein change: p.Ile1690_Ser1691insIle.
Molecular consequence: inframe insertion. On other transcripts: intron variant (8).
Genome position (GRCh38, 1-based): chr10:53,822,655-53,822,657, TGA duplicated on the plus strand (TCA on the coding strand, the reverse complement: PCDH15 is on the minus strand); duplicating any 3 consecutive bases within chr10:53,822,655-53,822,660 gives the same sequence; the position shown is the placement nearest the transcript's 3' end. VCF-style (leftmost placement, unchanged base first): chr10-53822654-C-CTGA. GRCh37 (hg19) VCF-style: chr10-55582414-C-CTGA.
Other names: c.5069_5071dup (NM_033056.4); c.5087TCA[3], p.Ile1697_Ser1698insIle (NM_001142763.2); c.5072TCA[3], p.Ile1692_Ser1693insIle (NM_001142764.2); c.4859TCA[3], p.Ile1621_Ser1622insIle (NM_001142765.2); c.5057TCA[3], p.Ile1687_Ser1688insIle (NM_001142766.2); c.4946TCA[3], p.Ile1650_Ser1651insIle (NM_001142767.2); c.5006TCA[3], p.Ile1670_Ser1671insIle (NM_001142768.2); c.4997TCA[3], p.Ile1667_Ser1668insIle (NM_001142773.2); and 8 more.
Identifiers: ClinVar variation 967997 (VCV000967997.9), dbSNP rs772692454, ClinGen allele CA5505130.